The following is an entry in ClinVar:

NM_000179.3(MSH6):c.3309T>C (p.Phe1103=)

Gene: MSH6 (mutS homolog 6; plus strand). Cytogenetic location: 2p16.3.
Variant type: single nucleotide variant.
Coding change: c.3309T>C on transcript NM_000179.3 (MANE Select); coding-DNA position 3309, T replaced by C.
Protein change: p.Phe1103=; no amino-acid change (phenylalanine 1103 retained).
Molecular consequence: synonymous variant. On other transcripts: non-coding transcript variant (5), intron variant (1).
Genome position (GRCh38, 1-based): chr2:47,803,556, T>C. VCF-style: chr2-47803556-T-C. GRCh37 (hg19) VCF-style: chr2-48030695-T-C.
Other names: c.2919T>C, p.Phe973= (NM_001281492.2); c.2403T>C, p.Phe801= (NM_001281493.2, NM_001281494.2, NM_001406811.1 and 6 more transcripts); c.3405T>C, p.Phe1135= (NM_001406795.1, NM_001406802.1); c.3309T>C, p.Phe1103= (NM_001406796.1, NM_001406800.1, NM_001406808.1 and 1 more transcripts); c.3012T>C, p.Phe1004= (NM_001406797.1, NM_001406801.1, NM_001406805.1 and 10 more transcripts); c.2784T>C, p.Phe928= (NM_001406799.1, NM_001406806.1, NM_001406807.1); c.2445T>C, p.Phe815= (NM_001406803.1); c.3231T>C, p.Phe1077= (NM_001406804.1); and 7 more.
Identifiers: ClinVar variation 2127562 (VCV002127562.5), dbSNP rs2104479392, ClinGen allele CA426121931.

ClinVar aggregate classification (germline): Benign/Likely benign. Review status: criteria provided, multiple submitters, no conflicts (2 of 4 stars). 2 submissions from 2 submitters: Benign (1); Likely benign (1). Last evaluated 2025-10-26.

Conditions:
Hereditary nonpolyposis colorectal neoplasms. Identifiers: MedGen C0009405, MeSH D003123.
Lynch syndrome 5 (LYNCH5). Also called: Colorectal cancer, hereditary nonpolyposis, type 5; Hereditary non-polyposis colorectal cancer, type 5. Identifiers: Orphanet 144, MedGen C1833477, MONDO:0013710, OMIM 614350. Disease mechanism: loss of function.

Submissions (2):

Labcorp Genetics (formerly Invitae), Labcorp
Classification: Likely benign for Hereditary nonpolyposis colorectal neoplasms. Last evaluated: 2025-10-26. Review status: criteria provided, single submitter. Criteria: Invitae Variant Classification Sherloc (09022015). Collection method: clinical testing. Allele origin: germline.

Myriad Genetics, Inc.
Classification: Benign for Lynch syndrome 5. Last evaluated: 2025-01-06. Review status: criteria provided, single submitter. Criteria: Myriad Autosomal Dominant, Autosomal Recessive and X-Linked Classification Criteria (2023). Collection method: clinical testing. Allele origin: unknown.
Comment: This variant is considered benign. This variant is a silent/synonymous amino acid change and it is not expected to impact splicing.